The following is an entry in ClinVar:

ClinVar aggregate classification (germline): Conflicting classifications of pathogenicity. Review status: criteria provided, conflicting classifications (1 of 4 stars). 2 submissions from 2 submitters: Uncertain significance (1); Likely benign (1). Last evaluated 2022-07-25.

Conditions:
Hepatic veno-occlusive disease-immunodeficiency syndrome. Also called: Hepatic Veno-Occlusive Disease with Immunodeficiency. Identifiers: Orphanet 79124, MedGen C1856128, MONDO:0009338, OMIM 235550. Disease mechanism: loss of function.

Allele frequency attached by ClinVar (database versions not stated): gnomAD exomes 0.00004; ExAC 0.00006; gnomAD 0.00008 and 0.00010; ESP Exome Variant Server 0.00015.
gnomAD v4.1: 45 of 1,613,972 alleles (0.0028%); highest among the groups gnomAD compares: African/African-American, 0.016%; no homozygotes.

Submissions (2):

Labcorp Genetics (formerly Invitae), Labcorp
Classification: Uncertain significance for Hepatic veno-occlusive disease-immunodeficiency syndrome. Last evaluated: 2022-07-25. Review status: criteria provided, single submitter. Criteria: Invitae Variant Classification Sherloc (09022015). Collection method: clinical testing. Allele origin: germline.
Comment: This sequence change replaces arginine, which is basic and polar, with glutamine, which is neutral and polar, at codon 421 of the SP110 protein (p.Arg421Gln). This variant is present in population databases (rs140588937, gnomAD 0.02%). This variant has not been reported in the literature in individuals affected with SP110-related conditions. ClinVar contains an entry for this variant (Variation ID: 1055551). Algorithms developed to predict the effect of missense changes on protein structure and function output the following: SIFT: "Tolerated"; PolyPhen-2: "Benign"; Align-GVGD: "Class C0". The glutamine amino acid residue is found in multiple mammalian species, which suggests that this missense change does not adversely affect protein function. In summary, the available evidence is currently insufficient to determine the role of this variant in disease. Therefore, it has been classified as a Variant of Uncertain Significance.

Blueprint Genetics
Classification: Likely benign. Last evaluated: 2021-09-03. Review status: criteria provided, single submitter. Criteria: ACMG Guidelines, 2015. Collection method: clinical testing. Allele origin: germline.

NM_080424.4(SP110):c.1262G>A (p.Arg421Gln)

Gene: SP110 (SP110 nuclear body protein; minus strand). Cytogenetic location: 2q37.1.
Variant type: single nucleotide variant.
Coding change: c.1262G>A on transcript NM_080424.4 (MANE Select); coding-DNA position 1262, G replaced by A.
Protein change: p.Arg421Gln; replaces arginine 421 with glutamine.
Molecular consequence: missense variant.
Genome position (GRCh38, 1-based): chr2:230,186,011, C>T on the plus strand (G>A on the coding strand, the complement: SP110 is on the minus strand). VCF-style: chr2-230186011-C-T. GRCh37 (hg19) VCF-style: chr2-231050727-C-T.
Other names: c.1280G>A, p.Arg427Gln (NM_001185015.2, NM_001378442.1, NM_001378444.1 and 2 more transcripts); c.1262G>A, p.Arg421Gln (NM_001378443.1, NM_004509.5, NM_004510.4); c.1112G>A, p.Arg371Gln (NM_001378447.1); short protein forms R371Q, R421Q, R427Q.
Identifiers: ClinVar variation 1055551 (VCV001055551.7), dbSNP rs140588937, ClinGen allele CA2154581.